The following is an entry in ClinVar:

NM_080764.4(ZNF280B):c.1392G>A (p.Lys464=)

Genes: IGL (immunoglobulin lambda locus; plus strand), ZNF280B (zinc finger protein 280B; minus strand). Cytogenetic location: 22q11.22.
Variant type: single nucleotide variant.
Coding change: c.1392G>A on transcript NM_080764.4 (MANE Select); coding-DNA position 1392, G replaced by A.
Protein change: p.Lys464=; no amino-acid change (lysine 464 retained).
Molecular consequence: synonymous variant. On other transcripts: non-coding transcript variant (1).
Genome position (GRCh38, 1-based): chr22:22,488,007, C>T on the plus strand (G>A on the coding strand, the complement: ZNF280B is on the minus strand). VCF-style: chr22-22488007-C-T. GRCh37 (hg19) VCF-style: chr22-22842332-C-T.
Identifiers: ClinVar variation 4872768 (VCV004872768.2).
Genomic context (GRCh38, chr22:22,488,007, plus strand): 5'-TTGATGACACTGGGTCTTGTGCTCCATTTTCTCCTTGAAAGTTAAAAACTGTAGCCGGCA[C>T]TTGGAACACTGGTGTGCACTCTTTCCCCAGTGGCCCCTATAATGACACATGTATGGTGTT-3'
Protein context (NP_542942.2, residues 454-474): HWGKSAHQCS[Lys464=]CRLQFLTFKE

ClinVar aggregate classification (germline): Likely benign (1 of 4 stars; one submission).

Submission:

CeGaT Center for Human Genetics Tuebingen
Classification: Likely benign. Last evaluated: 2026-05-01. Review status: criteria provided, single submitter. Criteria: CeGaT Center For Human Genetics Tuebingen Variant Classification Criteria Version 2. Collection method: clinical testing. Allele origin: germline. Affected: yes. Observed: 1 variant allele.
Comment: ZNF280B: PM2:Supporting, BP4, BP7